The following is an entry in ClinVar:

ClinVar aggregate classification (germline): Uncertain significance (1 of 4 stars; one submission).

Conditions:
Inborn genetic diseases. Identifiers: MedGen C0950123, MeSH D030342.

Submission:

Ambry Genetics
Classification: Uncertain significance for Inborn genetic diseases. Last evaluated: 2026-06-16. Review status: criteria provided, single submitter. Criteria: Ambry Variant Classification Scheme 2023. Collection method: clinical testing. Allele origin: germline.
Comment: The p.F977C variant (also known as c.2930T>G), located in coding exon 22 of the BUB1B gene, results from a T to G substitution at nucleotide position 2930. The phenylalanine at codon 977 is replaced by cysteine, an amino acid with highly dissimilar properties. This amino acid position is conserved. In addition, this alteration is predicted to be tolerated by in silico analysis. Based on the available evidence, the clinical significance of this variant remains unclear.

NM_001211.6(BUB1B):c.2930T>G (p.Phe977Cys)

Genes: BUB1B (BUB1 mitotic checkpoint serine/threonine kinase B; plus strand), BUB1B-PAK6 (BUB1B-PAK6 readthrough; plus strand). Cytogenetic location: 15q15.1.
Variant type: single nucleotide variant.
Coding change: c.2930T>G on transcript NM_001211.6 (MANE Select); coding-DNA position 2930, T replaced by G.
Protein change: p.Phe977Cys; replaces phenylalanine 977 with cysteine.
Molecular consequence: missense variant. On other transcripts: intron variant (2).
Genome position (GRCh38, 1-based): chr15:40,218,535, T>G. VCF-style: chr15-40218535-T-G. GRCh37 (hg19) VCF-style: chr15-40510736-T-G.
Other names: c.-201+868T>G (NM_001128628.3); c.-118+868T>G (NM_001128629.3); short protein forms F977C.
Identifiers: ClinVar variation 5033490 (VCV005033490.1).
Genomic context (GRCh38, chr15:40,218,535, plus strand): 5'-CAGATTTAGCACATTTACTATTGTTCAAGGAACACCTACAGGTCTTCTGGGATGGGTCCT[T>G]CTGGAAACTTAGCCAAAATATTTCTGAGTAAGTATTGATGAATGTCAGGGTCTCTGCCTG-3'
Protein context (NP_001202.5, residues 967-987): EHLQVFWDGS[Phe977Cys]WKLSQNISEL